The following is an entry in ClinVar:

ClinVar aggregate classification (germline): Uncertain significance. Review status: criteria provided, multiple submitters, no conflicts (2 of 4 stars). 4 submissions from 4 submitters: Uncertain significance (4). Last evaluated 2025-10-21.

Conditions:
Epidermolysis bullosa simplex with nail dystrophy (EBS5D). Identifiers: MedGen C4225309, MONDO:0014661, OMIM 616487.
Epidermolysis bullosa simplex, Ogna type (EBS5A). Also called: Pidermolysis bullosa simplex 5A, Ogna type; EPIDERMOLYSIS BULLOSA SIMPLEX 5A, OGNA TYPE. Identifiers: Orphanet 79401, MedGen C0432317, MONDO:0007555, OMIM 131950.
Autosomal recessive limb-girdle muscular dystrophy type 2Q (LGMDR17). Also called: MUSCULAR DYSTROPHY, LIMB-GIRDLE, AUTOSOMAL RECESSIVE 17. Identifiers: Orphanet 254361, MedGen C3150989, MONDO:0013390, OMIM 613723.
Epidermolysis bullosa simplex 5C, with pyloric atresia (EBS5C). Also called: PLEC-Related Epidermolysis Bullosa with Pyloric Atresia; Epidermolysis bullosa simplex with pyloric atresia; PLEC1-Related Epidermolysis Bullosa with Pyloric Atresia. Identifiers: Orphanet 158684, MedGen C2677349, MONDO:0012807, OMIM 612138.
Epidermolysis bullosa simplex 5B, with muscular dystrophy (EBS5B). Also called: EPIDERMOLYSIS BULLOSA SIMPLEX AND LIMB-GIRDLE MUSCULAR DYSTROPHY; Epidermolysis bullosa simplex with muscular dystrophy. Identifiers: Orphanet 257, MedGen C2931072, MONDO:0009181, OMIM 226670.
Inborn genetic diseases. Identifiers: MedGen C0950123, MeSH D030342.

Allele frequency attached by ClinVar (database versions not stated): gnomAD 0.00004; gnomAD exomes 0.00006; TOPMed 0.00011; ExAC 0.00012; 1000 Genomes Project 30x 0.00016; 1000 Genomes Project 0.00040.
gnomAD v4.1: 72 of 1,581,702 alleles (0.0046%); highest among the groups gnomAD compares: Middle Eastern, 0.019%; no homozygotes.

Submissions (4):

Labcorp Genetics (formerly Invitae), Labcorp
Classification: Uncertain significance for Autosomal recessive limb-girdle muscular dystrophy type 2Q; Epidermolysis bullosa simplex, Ogna type; Epidermolysis bullosa simplex with nail dystrophy; Epidermolysis bullosa simplex 5C, with pyloric atresia; Epidermolysis bullosa simplex 5B, with muscular dystrophy. Last evaluated: 2025-10-21. Review status: criteria provided, single submitter. Criteria: Invitae Variant Classification Sherloc (09022015). Collection method: clinical testing. Allele origin: germline.
Comment: This sequence change replaces glycine, which is neutral and non-polar, with serine, which is neutral and polar, at codon 4531 of the PLEC protein (p.Gly4531Ser). This variant is present in population databases (rs527486852, gnomAD 0.008%). This variant has not been reported in the literature in individuals affected with PLEC-related conditions. ClinVar contains an entry for this variant (Variation ID: 478521). Invitae Evidence Modeling of protein sequence and biophysical properties (such as structural, functional, and spatial information, amino acid conservation, physicochemical variation, residue mobility, and thermodynamic stability) indicates that this missense variant is not expected to disrupt PLEC protein function with a negative predictive value of 80%. In summary, the available evidence is currently insufficient to determine the role of this variant in disease. Therefore, it has been classified as a Variant of Uncertain Significance.

Ambry Genetics
Classification: Uncertain significance for Inborn genetic diseases. Last evaluated: 2024-08-12. Review status: criteria provided, single submitter. Criteria: Ambry Variant Classification Scheme 2023. Collection method: clinical testing. Allele origin: germline.

Revvity Omics, Revvity
Classification: Uncertain significance. Last evaluated: 2024-03-06. Review status: criteria provided, single submitter. Criteria: ACMG Guidelines, 2015. Collection method: clinical testing. Allele origin: germline.

Eurofins Ntd Llc (ga)
Classification: Uncertain significance. Last evaluated: 2016-11-14. Review status: criteria provided, single submitter. Criteria: EGL Classification Definitions 2015. Collection method: clinical testing. Allele origin: germline. Observed: 2 variant alleles, 1 heterozygote.

NM_201384.3(PLEC):c.13510G>A (p.Gly4504Ser)

Gene: PLEC (plectin; minus strand). Cytogenetic location: 8q24.3.
Variant type: single nucleotide variant.
Coding change: c.13510G>A on transcript NM_201384.3 (MANE Select); coding-DNA position 13510, G replaced by A.
Protein change: p.Gly4504Ser; replaces glycine 4504 with serine.
Molecular consequence: missense variant.
Genome position (GRCh38, 1-based): chr8:143,916,311, C>T on the plus strand (G>A on the coding strand, the complement: PLEC is on the minus strand). VCF-style: chr8-143916311-C-T. GRCh37 (hg19) VCF-style: chr8-144990479-C-T.
Other names: c.13591G>A (NM_000445.3); c.13591G>A, p.Gly4531Ser (NM_000445.5); c.13468G>A, p.Gly4490Ser (NM_201378.4); c.13444G>A, p.Gly4482Ser (NM_201379.3); c.13921G>A, p.Gly4641Ser (NM_201380.4); c.13414G>A, p.Gly4472Ser (NM_201381.3); c.13510G>A, p.Gly4504Ser (NM_201382.4); c.13522G>A, p.Gly4508Ser (NM_201383.3); short protein forms G4482S, G4504S, G4508S, G4531S, G4641S, G4490S, G4472S.
Identifiers: ClinVar variation 478521 (VCV000478521.15), dbSNP rs527486852, ClinGen allele CA4923771.